The following is an entry in ClinVar:

NM_004006.3(DMD):c.8938-5C>G

Gene: DMD (dystrophin; minus strand). Cytogenetic location: Xp21.2.
Variant type: single nucleotide variant.
Coding change: c.8938-5C>G on transcript NM_004006.3 (MANE Select); 5 bases into the intron before coding-DNA position 8938, C replaced by G.
Molecular consequence: intron variant.
Genome position (GRCh38, 1-based): chrX:31,444,632, G>C on the plus strand (C>G on the coding strand, the complement: DMD is on the minus strand). VCF-style: chrX-31444632-G-C. GRCh37 (hg19) VCF-style: chrX-31462749-G-C.
Other names: c.8914-5C>G (NM_000109.4); c.4915-5C>G (NM_004011.4); c.4906-5C>G (NM_004012.4); c.1558-5C>G (NM_004023.3, NM_004020.4, NM_004022.3 and 2 more transcripts); c.751-5C>G (NM_004014.3); c.8926-5C>G (NM_004009.3); c.8569-5C>G (NM_004010.3).
Identifiers: ClinVar variation 1352015 (VCV001352015.6), dbSNP rs2149076146, ClinGen allele CA2573158757.
Genomic context (GRCh38, chrX:31,444,632, plus strand): 5'-AGGTCATTGACGTGGCTCACGTTCTCTTTCAGAGGCGCAATTTCTCCTCGAAGTGCCTGT[G>C]TGCAATAGTCAAAAGCAAATTGGAAGATGAGAATATTTAAAACAAGAAGAACTGATACCT-3'

ClinVar aggregate classification (germline): Uncertain significance (1 of 4 stars; one submission).

Conditions:
Duchenne muscular dystrophy (DMD). Also called: MUSCULAR DYSTROPHY, PSEUDOHYPERTROPHIC PROGRESSIVE, DUCHENNE TYPE; Duchenne Muscular Dystrophy (DMD). Identifiers: Orphanet 98896, MedGen C0013264, MONDO:0010679, OMIM 310200.

Submission:

Labcorp Genetics (formerly Invitae), Labcorp
Classification: Uncertain significance for Duchenne muscular dystrophy. Last evaluated: 2022-08-19. Review status: criteria provided, single submitter. Criteria: Invitae Variant Classification Sherloc (09022015). Collection method: clinical testing. Allele origin: germline.
Comment: This variant is not present in population databases (gnomAD no frequency). This sequence change falls in intron 59 of the DMD gene. It does not directly change the encoded amino acid sequence of the DMD protein. This variant has not been reported in the literature in individuals affected with DMD-related conditions. In summary, the available evidence is currently insufficient to determine the role of this variant in disease. Therefore, it has been classified as a Variant of Uncertain Significance. Algorithms developed to predict the effect of sequence changes on RNA splicing suggest that this variant may disrupt the consensus splice site. ClinVar contains an entry for this variant (Variation ID: 1352015).